The following is an entry in ClinVar:

ClinVar aggregate classification (germline): Conflicting classifications of pathogenicity. Review status: criteria provided, conflicting classifications (1 of 4 stars). 6 submissions from 6 submitters: Uncertain significance (3); Likely benign (3). Last evaluated 2026-07-10.

Conditions:
Cardiovascular phenotype. Identifiers: MedGen CN230736.
PKP2-related disorder. Also called: PKP2-related condition.
Cardiomyopathy (CMYO). Also called: Cardiomyopathies. Identifiers: Orphanet 167848, MedGen C0878544, MONDO:0004994, HP:0001638. Inheritance: Various modes of inheritance.
Arrhythmogenic right ventricular dysplasia 9 (ARVD9). Also called: ARRHYTHMOGENIC RIGHT VENTRICULAR DYSPLASIA, FAMILIAL, 9; Arrhythmogenic Right Ventricular Dysplasia/Cardiomyopathy 9. Identifiers: MedGen C1836906, MONDO:0012180, OMIM 609040.

Allele frequency attached by ClinVar (database versions not stated): ExAC 0.00002; gnomAD exomes 0.00004 and 0.00005; gnomAD 0.00005; TOPMed 0.00005.
gnomAD v4.1: 56 of 1,349,464 alleles (0.0041%); highest among the groups gnomAD compares: Non-Finnish European, 0.0053%; no homozygotes.

Submissions (6):

PreventionGenetics, part of Exact Sciences
Classification: Uncertain significance for PKP2-related condition. Last evaluated: 2026-07-10. Review status: criteria provided, single submitter. Criteria: ACMG Guidelines, 2015. Collection method: clinical testing. Allele origin: germline.
Comment: The PKP2 c.1415C>T variant is predicted to result in the amino acid substitution p.Pro472Leu. This variant has been reported as a variant of uncertain significance in a cohort of children with dilated cardiomyopathy (Supplemental Table II, van der Meulen et al. 2022. PubMed ID: 36178741). This variant is reported in 0.011% of alleles in individuals of European (Non-Finnish) descent in gnomAD. Although we suspect that this variant may be benign, at this time, the clinical significance of this variant is uncertain due to the absence of conclusive functional and genetic evidence.

Labcorp Genetics (formerly Invitae), Labcorp
Classification: Uncertain significance for Arrhythmogenic right ventricular dysplasia 9. Last evaluated: 2025-12-29. Review status: criteria provided, single submitter. Criteria: Invitae Variant Classification Sherloc (09022015). Collection method: clinical testing. Allele origin: germline.
Comment: This sequence change replaces proline, which is neutral and non-polar, with leucine, which is neutral and non-polar, at codon 472 of the PKP2 protein (p.Pro472Leu). This variant is present in population databases (rs758950276, gnomAD 0.01%). This missense change has been observed in individual(s) with dilated cardiomyopathy (PMID: 36178741). ClinVar contains an entry for this variant (Variation ID: 406546). An algorithm developed to predict the effect of missense changes on protein structure and function outputs the following: PolyPhen-2: "Benign". The leucine amino acid residue is found in multiple mammalian species, which suggests that this missense change does not adversely affect protein function. In summary, the available evidence is currently insufficient to determine the role of this variant in disease. Therefore, it has been classified as a Variant of Uncertain Significance.

Color Diagnostics, LLC DBA Color Health
Classification: Likely benign for Cardiomyopathy. Last evaluated: 2024-09-04. Review status: criteria provided, single submitter. Criteria: ACMG Guidelines, 2015. Collection method: clinical testing. Allele origin: germline.

Women's Health and Genetics/Laboratory Corporation of America, LabCorp
Classification: Uncertain significance. Last evaluated: 2023-02-05. Review status: criteria provided, single submitter. Criteria: LabCorp Variant Classification Summary - May 2015. Collection method: clinical testing. Allele origin: germline.

Ambry Genetics
Classification: Likely benign for Cardiovascular phenotype. Last evaluated: 2018-11-28. Review status: criteria provided, single submitter. Criteria: Ambry Variant Classification Scheme 2023. Collection method: clinical testing. Allele origin: germline.

Laboratory for Molecular Medicine, Mass General Brigham Personalized Medicine
Classification: Likely benign. Last evaluated: 2018-03-22. Review status: criteria provided, single submitter. Criteria: LMM Criteria. Collection method: clinical testing. Allele origin: germline. Observed: 1 variant allele.
Comment: p.Pro472Leu in exon6 of PKP2: This variant is classified as likely benign due to a lack of conservation across species, including mammals. Of note, 7 mammals (o rangutan, gibbon, macaque, baboon, green monkey, marmoset, squirrel monkey) have a Leu at this position despite high nearby amino acid conservation. In addition , computational prediction tools do not suggest a high likelihood of impact to t he protein. ACMG/AMP Criteria applied: BP4_Strong.

Literature cited by the submitters: PubMed 36178741 (cited by Labcorp Genetics (formerly Invitae), Labcorp).

NM_001005242.3(PKP2):c.1379-2072C>T

Gene: PKP2 (plakophilin 2; minus strand). Cytogenetic location: 12p11.21.
Variant type: single nucleotide variant.
Coding change: c.1379-2072C>T on transcript NM_001005242.3 (MANE Select); 2072 bases into the intron before coding-DNA position 1379, C replaced by T.
Molecular consequence: intron variant. On other transcripts: missense variant (1).
Genome position (GRCh38, 1-based): chr12:32,843,277, G>A on the plus strand (C>T on the coding strand, the complement: PKP2 is on the minus strand). VCF-style: chr12-32843277-G-A. GRCh37 (hg19) VCF-style: chr12-32996211-G-A.
Other names: c.1415C>T, p.Pro472Leu (NM_004572.4); short protein forms P472L.
Identifiers: ClinVar variation 406546 (VCV000406546.23), dbSNP rs758950276, ClinGen allele CA028154.
Genomic context (GRCh38, chr12:32,843,277, plus strand): 5'-GTGATCCGCCCGCCTTGGCCTCCCAAAGTGCTGGGATTACAGGCGTGAGCCACCGCGCCC[G>A]GCCAGCCATTCCTACTTCTTAAATTGACTGTATGGTCTGTACAAAGGAAAGAGGAAGCAT-3'